The following is an entry in ClinVar:

ClinVar aggregate classification (germline): Likely pathogenic. Review status: criteria provided, multiple submitters, no conflicts (2 of 4 stars). 3 submissions from 3 submitters: Likely pathogenic (2). 1 of the submissions does not count toward it. Last evaluated 2024-04-05.

Conditions:
Polycystic kidney disease, adult type (PKD1). Also called: POLYCYSTIC KIDNEY DISEASE 1 WITH OR WITHOUT POLYCYSTIC LIVER DISEASE; Polycystic Kidney Disease 1, Autosomal Dominant; Polycystic kidney disease 1; Polycystic kidney disease 1, severe; POLYCYSTIC KIDNEY DISEASE, ADULT, TYPE I; Polycystic Kidney, Autosomal Dominant. Identifiers: MedGen C3149841, MONDO:0008263, OMIM 173900.
Autosomal dominant polycystic kidney disease. Identifiers: Orphanet 730, MedGen C0085413, MONDO:0004691.

Submissions (3):

Fulgent Genetics
Classification: Likely pathogenic for Polycystic kidney disease, adult type. Last evaluated: 2024-04-05. Review status: criteria provided, single submitter. Criteria: ACMG Guidelines, 2015. Collection method: clinical testing. Allele origin: germline.

GeneDx
Classification: Likely pathogenic. Last evaluated: 2022-02-15. Review status: criteria provided, single submitter. Criteria: GeneDx Variant Classification Process June 2021. Collection method: clinical testing. Allele origin: germline. Affected: yes.
Comment: In-frame deletion of 1 amino acid in a non-repeat region; Not observed in large population cohorts (gnomAD); In silico analysis supports a deleterious effect on protein structure/function; This variant is associated with the following publications: (PMID: 23300259)

Laboratory of Gastroenterology and Hepatology, Radboud University Medical Center
Classification: Uncertain significance for Autosomal dominant polycystic kidney disease. Last evaluated: 2021-09-01. Review status: no assertion criteria provided. Collection method: research. Allele origin: germline. Affected: yes. Not counted in ClinVar's aggregate classification.

NM_001009944.3(PKD1):c.3119CGG[1] (p.Ala1041del)

Gene: PKD1 (polycystin 1, transient receptor potential channel interacting; minus strand). Cytogenetic location: 16p13.3.
Variant type: Microsatellite.
Coding change: c.3119CGG[1] on transcript NM_001009944.3 (MANE Select); one copy of the 3-base unit CGG starting at c.3119; the reference has two copies in a row; one copy, 3 bases deleted; also written c.3122_3124del.
Protein change: p.Ala1041del; deletes alanine 1041.
Molecular consequence: inframe deletion.
Genome position (GRCh38, 1-based): chr16:2,112,825-2,112,827, CCG deleted on the plus strand (CGG on the coding strand, the reverse complement: PKD1 is on the minus strand); deleting any 3 consecutive bases within chr16:2,112,825-2,112,830 gives the same sequence; the position shown is the placement nearest the transcript's 3' end. VCF-style (leftmost placement, unchanged base first): chr16-2112824-CCCG-C. GRCh37 (hg19) VCF-style: chr16-2162825-CCCG-C.
Other names: c.3119CGG[1], p.Ala1041del (NM_000296.4); c.3122_3124del (NM_001009944.3); short protein forms A1041del.
Identifiers: ClinVar variation 1255650 (VCV001255650.6), dbSNP rs2151806438, ClinGen allele CA2580613398.